The following is an entry in ClinVar:

NM_015450.3(POT1):c.43A>C (p.Asn15His)

Gene: POT1 (protection of telomeres 1; minus strand). Cytogenetic location: 7q31.33.
Variant type: single nucleotide variant.
Coding change: c.43A>C on transcript NM_015450.3 (MANE Select); coding-DNA position 43, A replaced by C.
Protein change: p.Asn15His; replaces asparagine 15 with histidine.
Molecular consequence: missense variant. On other transcripts: 5 prime UTR variant (1), non-coding transcript variant (3).
Genome position (GRCh38, 1-based): chr7:124,892,347, T>G on the plus strand (A>C on the coding strand, the complement: POT1 is on the minus strand). VCF-style: chr7-124892347-T-G. GRCh37 (hg19) VCF-style: chr7-124532401-T-G.
Other names: c.-220A>C (NM_001042594.2); short protein forms N15H.
Identifiers: ClinVar variation 486142 (VCV000486142.17), dbSNP rs1554434768, ClinGen allele CA369066220.

ClinVar aggregate classification (germline): Conflicting classifications of pathogenicity. Review status: criteria provided, conflicting classifications (1 of 4 stars). 4 submissions from 4 submitters: Uncertain significance (3); Likely benign (1). Last evaluated 2025-08-19.

Conditions:
Tumor predisposition syndrome 3 (TPDS3). Also called: Melanoma, cutaneous malignant, susceptibility to, 10; Glioma susceptibility 9; LONG TELOMERE SYNDROME, POT1-RELATED; POT1 Tumor Predisposition. Identifiers: Orphanet 618, MedGen C4014476, MONDO:0014368, OMIM 615848.
Hereditary cancer-predisposing syndrome. Also called: Tumor predisposition; Hereditary neoplastic syndrome; Neoplastic Syndromes, Hereditary; Hereditary Cancer Syndrome. Identifiers: Orphanet 140162, MedGen C0027672, MeSH D009386, MONDO:0015356.

Allele frequency attached by ClinVar (database versions not stated): gnomAD exomes 0.00001; gnomAD 0.00001.
gnomAD v4.1: 11 of 1,520,570 alleles (0.00072%); highest among the groups gnomAD compares: Non-Finnish European, 0.00096%; no homozygotes.

Submissions (4):

Ambry Genetics
Classification: Likely benign for Hereditary cancer-predisposing syndrome. Last evaluated: 2025-08-19. Review status: criteria provided, single submitter. Criteria: Ambry Variant Classification Scheme 2023. Collection method: clinical testing. Allele origin: germline.

Labcorp Genetics (formerly Invitae), Labcorp
Classification: Uncertain significance for Tumor predisposition syndrome 3. Last evaluated: 2025-07-30. Review status: criteria provided, single submitter. Criteria: Invitae Variant Classification Sherloc (09022015). Collection method: clinical testing. Allele origin: germline.
Comment: This sequence change replaces asparagine, which is neutral and polar, with histidine, which is basic and polar, at codon 15 of the POT1 protein (p.Asn15His). This variant is not present in population databases (gnomAD no frequency). This variant has not been reported in the literature in individuals affected with POT1-related conditions. ClinVar contains an entry for this variant (Variation ID: 486142). Invitae Evidence Modeling of protein sequence and biophysical properties (such as structural, functional, and spatial information, amino acid conservation, physicochemical variation, residue mobility, and thermodynamic stability) indicates that this missense variant is not expected to disrupt POT1 protein function with a negative predictive value of 80%. In summary, the available evidence is currently insufficient to determine the role of this variant in disease. Therefore, it has been classified as a Variant of Uncertain Significance.

Quest Diagnostics Nichols Institute San Juan Capistrano
Classification: Uncertain significance. Last evaluated: 2024-11-10. Review status: criteria provided, single submitter. Criteria: Quest Diagnostics criteria. Collection method: clinical testing. Allele origin: unknown.
Comment: The POT1 c.43A>C (p.Asn15His) variant has not been reported in individuals with POT1-related conditions in the published literature. The frequency of this variant in the general population, 0.0000066 (1/151534 chromosomes (Genome Aggregation Database)), is uninformative in the assessment of its pathogenicity. Analysis of this variant using bioinformatics tools for the prediction of the effect of amino acid changes on protein structure and function yielded conflicting predictions that this variant is benign or damaging. Based on the available information, we are unable to determine the clinical significance of this variant.

GeneDx
Classification: Uncertain significance. Last evaluated: 2023-07-20. Review status: criteria provided, single submitter. Criteria: GeneDx Variant Classification Process June 2021. Collection method: clinical testing. Allele origin: germline.
Comment: Not observed at significant frequency in large population cohorts (gnomAD); In silico analysis supports that this missense variant has a deleterious effect on protein structure/function; Has not been previously published as pathogenic or benign to our knowledge; This variant is associated with the following publications: (PMID: 28393830)